The following is an entry in ClinVar:

NM_001267550.2(TTN):c.32095+20T>C

Gene: TTN (titin; minus strand). Cytogenetic location: 2q31.2.
Variant type: single nucleotide variant.
Coding change: c.32095+20T>C on transcript NM_001267550.2 (MANE Select); 20 bases into the intron after coding-DNA position 32095, T replaced by C.
Molecular consequence: intron variant.
Genome position (GRCh38, 1-based): chr2:178,689,033, A>G on the plus strand (T>C on the coding strand, the complement: TTN is on the minus strand). VCF-style: chr2-178689033-A-G. GRCh37 (hg19) VCF-style: chr2-179553760-A-G.
Other names: c.31144+20T>C (NM_001256850.1); c.13283-46716T>C (NM_003319.4); c.13859-46716T>C (NM_133437.4); c.13658-46716T>C (NM_133432.3); c.28363+20T>C (NM_133378.4).
Identifiers: ClinVar variation 516813 (VCV000516813.9), dbSNP rs768705255, ClinGen allele CA1998748.

ClinVar aggregate classification (germline): Likely benign. Review status: criteria provided, multiple submitters, no conflicts (2 of 4 stars). 2 submissions from 2 submitters: Likely benign (2). Last evaluated 2026-01-17.

Conditions:
Dilated cardiomyopathy 1G (CMD1G). Identifiers: Orphanet 154, MedGen C1858763, MONDO:0011400, OMIM 604145.
Autosomal recessive limb-girdle muscular dystrophy type 2J (LGMDR10). Also called: Limb-girdle muscular dystrophy, type 2J; MUSCULAR DYSTROPHY, LIMB-GIRDLE, AUTOSOMAL RECESSIVE 10. Identifiers: Orphanet 140922, MedGen C1837342, MONDO:0012127, OMIM 608807.

Allele frequency attached by ClinVar (database versions not stated): ExAC 0.00002; gnomAD exomes 0.00003 and 0.00014.

Submissions (2):

Labcorp Genetics (formerly Invitae), Labcorp
Classification: Likely benign for Dilated cardiomyopathy 1G; Autosomal recessive limb-girdle muscular dystrophy type 2J. Last evaluated: 2026-01-17. Review status: criteria provided, single submitter. Criteria: Invitae Variant Classification Sherloc (09022015). Collection method: clinical testing. Allele origin: germline.

GeneDx
Classification: Likely benign. Last evaluated: 2018-02-05. Review status: criteria provided, single submitter. Criteria: GeneDx Variant Classification (06012015). Collection method: clinical testing. Allele origin: germline. Affected: yes.
Comment: This variant is considered likely benign or benign based on one or more of the following criteria: it is a conservative change, it occurs at a poorly conserved position in the protein, it is predicted to be benign by multiple in silico algorithms, and/or has population frequency not consistent with disease.